The following is an entry in ClinVar:

ClinVar aggregate classification (germline): Pathogenic (1 of 4 stars; one submission).

Conditions:
Very long chain acyl-CoA dehydrogenase deficiency (ACADVLD). Also called: VLCAD Deficiency; Very Long-Chain Acyl-Coenzyme A Dehydrogenase Deficiency. Identifiers: Orphanet 26793, MedGen C3887523, MONDO:0008723, OMIM 201475.

Submission:

Labcorp Genetics (formerly Invitae), Labcorp
Classification: Pathogenic for Very long chain acyl-CoA dehydrogenase deficiency. Last evaluated: 2023-04-30. Review status: criteria provided, single submitter. Criteria: Invitae Variant Classification Sherloc (09022015). Collection method: clinical testing. Allele origin: germline.
Comment: For these reasons, this variant has been classified as Pathogenic. This variant has not been reported in the literature in individuals affected with ACADVL-related conditions. This variant is not present in population databases (gnomAD no frequency). This sequence change creates a premature translational stop signal (p.Arg162Phefs*9) in the ACADVL gene. It is expected to result in an absent or disrupted protein product. Loss-of-function variants in ACADVL are known to be pathogenic (PMID: 9973285, 11590124).

Literature cited by the submitters: PubMed 9973285; PubMed 11590124.

NM_000018.4(ACADVL):c.483_484del (p.Arg162fs)

Gene: ACADVL (acyl-CoA dehydrogenase very long chain; plus strand). Cytogenetic location: 17p13.1.
Variant type: Deletion.
Coding change: c.483_484del on transcript NM_000018.4 (MANE Select); coding-DNA positions 483 to 484, 2 bases deleted (CC; older notation c.483_484delCC).
Protein change: p.Arg162fs; shifts the reading frame from arginine 162.
Molecular consequence: frameshift variant.
Genome position (GRCh38, 1-based): chr17:7,221,543-7,221,544, CC deleted; deleting any 2 consecutive bases within chr17:7,221,542-7,221,544 gives the same sequence; the c. name uses the placement nearest the transcript's 3' end. VCF-style (leftmost placement, unchanged base first): chr17-7221541-GCC-G. GRCh37 (hg19) VCF-style: chr17-7124860-GCC-G.
Other names: c.417_418del, p.Arg140fs (NM_001033859.3); c.552_553del, p.Arg185fs (NM_001270447.2); c.255_256del, p.Arg86fs (NM_001270448.2); short protein forms R86fs, R185fs, R162fs, R140fs.
Identifiers: ClinVar variation 2858249 (VCV002858249.3), dbSNP rs2508281146, ClinGen allele CA2635781206.
Genomic context (GRCh38, chr17:7,221,541, plus strand): 5'-TTAAGGTCAGGTCCCCCTGCAGCCAGTGACAACCCCAGATTCCTGCTTCCCCTCCAGTAC[GCC>G]CGTTTGGTGGAGATCGTGGGCATGCATGACCTTGGCGTGGGCATTACCCTGGGGGCCCAT-3'